The following is an entry in ClinVar:

ClinVar aggregate classification (germline): Uncertain significance. Review status: criteria provided, multiple submitters, no conflicts (2 of 4 stars). 2 submissions from 2 submitters: Uncertain significance (2). Last evaluated 2025-09-12.

Conditions:
Catecholaminergic polymorphic ventricular tachycardia 1. Also called: VENTRICULAR TACHYCARDIA, STRESS-INDUCED POLYMORPHIC 1; VENTRICULAR TACHYCARDIA, CATECHOLAMINERGIC POLYMORPHIC, 1, WITH OR WITHOUT ATRIAL DYSFUNCTION AND/OR DILATED CARDIOMYOPATHY; RYR2-Related Catecholaminergic Polymorphic Ventricular Tachycardia. Identifiers: Orphanet 3286, MedGen C1631597, MONDO:0011484, OMIM 604772.
Cardiovascular phenotype. Identifiers: MedGen CN230736.

gnomAD v4.1: 43 of 1,609,302 alleles (0.0027%); highest among the groups gnomAD compares: Non-Finnish European, 0.0037%; no homozygotes.

Submissions (2):

Ambry Genetics
Classification: Uncertain significance for Cardiovascular phenotype. Last evaluated: 2025-09-12. Review status: criteria provided, single submitter. Criteria: Ambry Variant Classification Scheme 2023. Collection method: clinical testing. Allele origin: germline.
Comment: The p.E3625G variant (also known as c.10874A>G), located in coding exon 77 of the RYR2 gene, results from an A to G substitution at nucleotide position 10874. The glutamic acid at codon 3625 is replaced by glycine, an amino acid with similar properties. This amino acid position is not well conserved in available vertebrate species. In addition, the in silico prediction for this alteration is inconclusive. Based on the available evidence, the clinical significance of this variant remains unclear.

Labcorp Genetics (formerly Invitae), Labcorp
Classification: Uncertain significance for Catecholaminergic polymorphic ventricular tachycardia 1. Last evaluated: 2025-01-01. Review status: criteria provided, single submitter. Criteria: Invitae Variant Classification Sherloc (09022015). Collection method: clinical testing. Allele origin: germline.
Comment: This sequence change replaces glutamic acid, which is acidic and polar, with glycine, which is neutral and non-polar, at codon 3625 of the RYR2 protein (p.Glu3625Gly). This variant is present in population databases (no rsID available, gnomAD 0.002%). This variant has not been reported in the literature in individuals affected with RYR2-related conditions. Invitae Evidence Modeling of protein sequence and biophysical properties (such as structural, functional, and spatial information, amino acid conservation, physicochemical variation, residue mobility, and thermodynamic stability) indicates that this missense variant is not expected to disrupt RYR2 protein function with a negative predictive value of 95%. In summary, the available evidence is currently insufficient to determine the role of this variant in disease. Therefore, it has been classified as a Variant of Uncertain Significance.

NM_001035.3(RYR2):c.10874A>G (p.Glu3625Gly)

Gene: RYR2 (ryanodine receptor 2; plus strand). Cytogenetic location: 1q43.
Variant type: single nucleotide variant.
Coding change: c.10874A>G on transcript NM_001035.3 (MANE Select); coding-DNA position 10874, A replaced by G.
Protein change: p.Glu3625Gly; replaces glutamic acid 3625 with glycine.
Molecular consequence: missense variant.
Genome position (GRCh38, 1-based): chr1:237,730,295, A>G. VCF-style: chr1-237730295-A-G. GRCh37 (hg19) VCF-style: chr1-237893595-A-G.
Other names: c.10874A>G (NM_001035.2); short protein forms E3625G.
Identifiers: ClinVar variation 3622837 (VCV003622837.3).